The following is an entry in ClinVar:

ClinVar aggregate classification (germline): Conflicting classifications of pathogenicity. Review status: criteria provided, conflicting classifications (1 of 4 stars). 2 submissions from 2 submitters: Uncertain significance (1); Likely benign (1). Last evaluated 2025-11-06.

Conditions:
Hereditary cancer-predisposing syndrome. Also called: Hereditary neoplastic syndrome; Tumor predisposition; Neoplastic Syndromes, Hereditary; Hereditary Cancer Syndrome. Identifiers: Orphanet 140162, MedGen C0027672, MeSH D009386, MONDO:0015356.
Juvenile polyposis syndrome (JPS). Identifiers: Orphanet 2929, MedGen C0345893, MONDO:0017380, OMIM 174900.

Submissions (2):

Ambry Genetics
Classification: Likely benign for Hereditary cancer-predisposing syndrome. Last evaluated: 2025-11-06. Review status: criteria provided, single submitter. Criteria: Ambry Variant Classification Scheme 2023. Collection method: clinical testing. Allele origin: germline.

Labcorp Genetics (formerly Invitae), Labcorp
Classification: Uncertain significance for Juvenile polyposis syndrome. Last evaluated: 2022-12-31. Review status: criteria provided, single submitter. Criteria: Invitae Variant Classification Sherloc (09022015). Collection method: clinical testing. Allele origin: germline.
Comment: This sequence change replaces valine, which is neutral and non-polar, with isoleucine, which is neutral and non-polar, at codon 530 of the BMPR1A protein (p.Val530Ile). This variant is not present in population databases (gnomAD no frequency). This variant has not been reported in the literature in individuals affected with BMPR1A-related conditions. ClinVar contains an entry for this variant (Variation ID: 950325). Advanced modeling of protein sequence and biophysical properties (such as structural, functional, and spatial information, amino acid conservation, physicochemical variation, residue mobility, and thermodynamic stability) performed at Invitae indicates that this missense variant is not expected to disrupt BMPR1A protein function. In summary, the available evidence is currently insufficient to determine the role of this variant in disease. Therefore, it has been classified as a Variant of Uncertain Significance.

NM_004329.3(BMPR1A):c.1588G>A (p.Val530Ile)

Gene: BMPR1A (bone morphogenetic protein receptor type 1A; plus strand). Cytogenetic location: 10q23.2.
Variant type: single nucleotide variant.
Coding change: c.1588G>A on transcript NM_004329.3 (MANE Select); coding-DNA position 1588, G replaced by A.
Protein change: p.Val530Ile; replaces valine 530 with isoleucine.
Molecular consequence: missense variant.
Genome position (GRCh38, 1-based): chr10:86,923,708, G>A. VCF-style: chr10-86923708-G-A. GRCh37 (hg19) VCF-style: chr10-88683465-G-A.
Other names: short protein forms V530I.
Identifiers: ClinVar variation 950325 (VCV000950325.13), dbSNP rs1843703913, ClinGen allele CA377464060.